The following is an entry in ClinVar:

NM_004990.4(MARS1):c.734A>G (p.Glu245Gly)

Gene: MARS1 (methionyl-tRNA synthetase 1; plus strand). Cytogenetic location: 12q13.3.
Variant type: single nucleotide variant.
Coding change: c.734A>G on transcript NM_004990.4 (MANE Select); coding-DNA position 734, A replaced by G.
Protein change: p.Glu245Gly; replaces glutamic acid 245 with glycine.
Molecular consequence: missense variant.
Genome position (GRCh38, 1-based): chr12:57,490,608, A>G. VCF-style: chr12-57490608-A-G. GRCh37 (hg19) VCF-style: chr12-57884391-A-G.
Other names: short protein forms E245G.
Identifiers: ClinVar variation 444297 (VCV000444297.50), dbSNP rs778753999, ClinGen allele CA6650265.

ClinVar aggregate classification (germline): Conflicting classifications of pathogenicity. Review status: criteria provided, conflicting classifications (1 of 4 stars). 4 submissions from 4 submitters: Uncertain significance (3); Likely benign (1). Last evaluated 2024-12-10.

Conditions:
Charcot-Marie-Tooth disease axonal type 2U. Also called: CHARCOT-MARIE-TOOTH NEUROPATHY, TYPE 2U; CHARCOT-MARIE-TOOTH DISEASE, AXONAL, AUTOSOMAL DOMINANT, TYPE 2U. Identifiers: Orphanet 397735, MedGen C4084821, MONDO:0014566, OMIM 616280.
Severe early-onset pulmonary alveolar proteinosis due to MARS deficiency. Also called: PULMONARY ALVEOLAR PROTEINOSIS, REUNION ISLAND; Interstitial lung and liver disease. Identifiers: Orphanet 440427, MedGen C4225400, MONDO:0014206, OMIM 615486.

Allele frequency attached by ClinVar (database versions not stated): ExAC 0.00006; gnomAD exomes 0.00006; gnomAD 0.00007 and 0.00008; TOPMed 0.00009.
gnomAD v4.1: 105 of 1,613,894 alleles (0.0065%); highest among the groups gnomAD compares: Middle Eastern, 0.049%; 3 homozygotes.

Submissions (4):

Labcorp Genetics (formerly Invitae), Labcorp
Classification: Uncertain significance for Charcot-Marie-Tooth disease axonal type 2U; Severe early-onset pulmonary alveolar proteinosis due to MARS deficiency. Last evaluated: 2024-12-10. Review status: criteria provided, single submitter. Criteria: Invitae Variant Classification Sherloc (09022015). Collection method: clinical testing. Allele origin: germline.
Comment: This sequence change replaces glutamic acid, which is acidic and polar, with glycine, which is neutral and non-polar, at codon 245 of the MARS protein (p.Glu245Gly). This variant is present in population databases (rs778753999, gnomAD 0.01%). This variant has not been reported in the literature in individuals affected with MARS-related conditions. ClinVar contains an entry for this variant (Variation ID: 444297). An algorithm developed to predict the effect of missense changes on protein structure and function outputs the following: PolyPhen-2: "Benign". The glycine amino acid residue is found in multiple mammalian species, which suggests that this missense change does not adversely affect protein function. In summary, the available evidence is currently insufficient to determine the role of this variant in disease. Therefore, it has been classified as a Variant of Uncertain Significance.

Women's Health and Genetics/Laboratory Corporation of America, LabCorp
Classification: Uncertain significance. Last evaluated: 2023-05-24. Review status: criteria provided, single submitter. Criteria: LabCorp Variant Classification Summary - May 2015. Collection method: clinical testing. Allele origin: germline.
Comment: Variant summary: MARS c.734A>G (p.Glu245Gly) results in a non-conservative amino acid change in the encoded protein sequence. Four of five in-silico tools predict a benign effect of the variant on protein function. The variant allele was found at a frequency of 5.6e-05 in 251494 control chromosomes. To our knowledge, no occurrence of c.734A>G in individuals affected with MARS1-Related Disorders and no experimental evidence demonstrating its impact on protein function have been reported. Three clinical diagnostic laboratories have submitted clinical-significance assessments for this variant to ClinVar after 2014 and classified as: VUS (n=2) and likely benign (n=1). Based on the evidence outlined above, the variant was classified as uncertain significance.

Ambry Genetics
Classification: Likely benign. Last evaluated: 2021-08-30. Review status: criteria provided, single submitter. Criteria: Ambry Variant Classification Scheme 2023. Collection method: clinical testing. Allele origin: germline.

CeGaT Center for Human Genetics Tuebingen
Classification: Uncertain significance. Last evaluated: 2017-06-01. Review status: criteria provided, single submitter. Criteria: CeGaT Center For Human Genetics Tuebingen Variant Classification Criteria Version 2. Collection method: clinical testing. Allele origin: germline. Affected: yes. Observed: 1 variant allele.